The following is an entry in ClinVar:

ClinVar aggregate classification (germline): Uncertain significance (1 of 4 stars; one submission).

Submission:

GeneDx
Classification: Uncertain significance. Last evaluated: 2025-08-12. Review status: criteria provided, single submitter. Criteria: GeneDx Variant Classification Process June 2021. Collection method: clinical testing. Allele origin: germline. Affected: yes.
Comment: Not observed at significant frequency in large population cohorts (gnomAD); In silico analysis supports that this missense variant has a deleterious effect on protein structure/function; Has not been previously published as pathogenic or benign to our knowledge

NM_001281775.3(ZMYND8):c.661A>C (p.Asn221His)

Gene: ZMYND8 (zinc finger MYND-type containing 8; minus strand). Cytogenetic location: 20q13.12.
Variant type: single nucleotide variant.
Coding change: c.661A>C on transcript NM_001281775.3 (MANE Select); coding-DNA position 661, A replaced by C.
Protein change: p.Asn221His; replaces asparagine 221 with histidine.
Molecular consequence: missense variant. On other transcripts: 5 prime UTR variant (2).
Genome position (GRCh38, 1-based): chr20:47,290,274, T>G on the plus strand (A>C on the coding strand, the complement: ZMYND8 is on the minus strand). VCF-style: chr20-47290274-T-G. GRCh37 (hg19) VCF-style: chr20-45919018-T-G.
Other names: c.586A>C, p.Asn196His (NM_001281771.3, NM_001281777.3, NM_001281778.3 and 4 more transcripts); c.601A>C, p.Asn201His (NM_001281772.3, NM_001281773.3, NM_001281774.3 and 1 more transcripts); c.661A>C, p.Asn221His (NM_001281776.3, NM_001281783.3, NM_012408.6 and 1 more transcripts); c.-275A>C (NM_001281779.3, NM_001281780.3); c.682A>C, p.Asn228His (NM_001363714.1); short protein forms N196H, N201H, N221H, N228H.
Identifiers: ClinVar variation 2501605 (VCV002501605.2), dbSNP rs2517920277, ClinGen allele CA409280121.